The following is an entry in ClinVar:

ClinVar aggregate classification (germline): Uncertain significance (1 of 4 stars; one submission).

Conditions:
Medium-chain acyl-coenzyme A dehydrogenase deficiency (ACADMD). Also called: CARNITINE DEFICIENCY SECONDARY TO MEDIUM-CHAIN ACYL-CoA DEHYDROGENASE DEFICIENCY; MCAD Deficiency; MCADH DEFICIENCY; Medium chain acyl-CoA dehydrogenase deficiency; MCADD; ACADM DEFICIENCY. Identifiers: Orphanet 42, MedGen C0220710, MONDO:0008721, OMIM 201450.

Submission:

Labcorp Genetics (formerly Invitae), Labcorp
Classification: Uncertain significance for Medium-chain acyl-coenzyme A dehydrogenase deficiency. Last evaluated: 2022-06-10. Review status: criteria provided, single submitter. Criteria: Invitae Variant Classification Sherloc (09022015). Collection method: clinical testing. Allele origin: germline.
Comment: In summary, the available evidence is currently insufficient to determine the role of this variant in disease. Therefore, it has been classified as a Variant of Uncertain Significance. Experimental studies and prediction algorithms are not available or were not evaluated, and the functional significance of this variant is currently unknown. This variant has not been reported in the literature in individuals affected with ACADM-related conditions. This variant is not present in population databases (gnomAD no frequency). This variant, c.893_898del, is a complex sequence change that results in the deletion of 3 and insertion of 1 amino acid(s) in the ACADM protein (p.Glu298_Thr300delinsAla).

NM_000016.6(ACADM):c.893_898del (p.Glu298_Thr300delinsAla)

Gene: ACADM (acyl-CoA dehydrogenase medium chain; plus strand). Cytogenetic location: 1p31.1.
Variant type: Deletion.
Coding change: c.893_898del on transcript NM_000016.6 (MANE Select); coding-DNA positions 893 to 898, 6 bases deleted (AAGCTA; older notation c.893_898delAAGCTA).
Protein change: p.Glu298_Thr300delinsAla.
Molecular consequence: inframe indel.
Genome position (GRCh38, 1-based): chr1:75,750,494-75,750,499, AAGCTA deleted. VCF-style (leftmost placement, unchanged base first): chr1-75750493-GAAGCTA-G. GRCh37 (hg19) VCF-style: chr1-76216178-GAAGCTA-G.
Other names: c.905_910del, p.Glu302_Thr304delinsAla (NM_001127328.3); c.785_790del, p.Glu262_Thr264delinsAla (NM_001286042.2); c.992_997del, p.Glu331_Thr333delinsAla (NM_001286043.2); c.326_331del, p.Glu109_Thr111delinsAla (NM_001286044.2).
Identifiers: ClinVar variation 2133495 (VCV002133495.4), dbSNP rs2525652824, ClinGen allele CA2580063247.